The following is an entry in ClinVar:

ClinVar aggregate classification (germline): Uncertain significance. Review status: criteria provided, multiple submitters, no conflicts (2 of 4 stars). 2 submissions from 2 submitters: Uncertain significance (2). Last evaluated 2021-08-31.

Conditions:
DICER1-related tumor predisposition. Also called: DICER1-related pleuropulmonary blastoma cancer predisposition syndrome; DICER1 syndrome. Identifiers: Orphanet 284343, MedGen C3839822, MONDO:0100216.
Hereditary cancer-predisposing syndrome. Also called: Tumor predisposition; Hereditary Cancer Syndrome; Neoplastic Syndromes, Hereditary; Hereditary neoplastic syndrome. Identifiers: Orphanet 140162, MedGen C0027672, MeSH D009386, MONDO:0015356.

Submissions (2):

Ambry Genetics
Classification: Uncertain significance for Hereditary cancer-predisposing syndrome. Last evaluated: 2021-08-31. Review status: criteria provided, single submitter. Criteria: Ambry Variant Classification Scheme 2023. Collection method: clinical testing. Allele origin: germline.
Comment: The p.R552G variant (also known as c.1654A>G), located in coding exon 9 of the DICER1 gene, results from an A to G substitution at nucleotide position 1654. The arginine at codon 552 is replaced by glycine, an amino acid with dissimilar properties. This amino acid position is highly conserved in available vertebrate species. In addition, this alteration is predicted to be deleterious by in silico analysis. Since supporting evidence is limited at this time, the clinical significance of this alteration remains unclear.

Labcorp Genetics (formerly Invitae), Labcorp
Classification: Uncertain significance for DICER1-related tumor predisposition. Last evaluated: 2020-02-06. Review status: criteria provided, single submitter. Criteria: Invitae Variant Classification Sherloc (09022015). Collection method: clinical testing. Allele origin: germline.
Comment: This sequence change replaces arginine with glycine at codon 552 of the DICER1 protein (p.Arg552Gly). The arginine residue is highly conserved and there is a moderate physicochemical difference between arginine and glycine. This variant is not present in population databases (ExAC no frequency). This variant has not been reported in the literature in individuals with DICER1-related conditions. Algorithms developed to predict the effect of missense changes on protein structure and function (SIFT, PolyPhen-2, Align-GVGD) all suggest that this variant is likely to be disruptive, but these predictions have not been confirmed by published functional studies and their clinical significance is uncertain. In summary, the available evidence is currently insufficient to determine the role of this variant in disease. Therefore, it has been classified as a Variant of Uncertain Significance.

NM_177438.3(DICER1):c.1654A>G (p.Arg552Gly)

Gene: DICER1 (dicer 1, ribonuclease III; minus strand). Cytogenetic location: 14q32.13.
Variant type: single nucleotide variant.
Coding change: c.1654A>G on transcript NM_177438.3 (MANE Select); coding-DNA position 1654, A replaced by G.
Protein change: p.Arg552Gly; replaces arginine 552 with glycine.
Molecular consequence: missense variant.
Genome position (GRCh38, 1-based): chr14:95,116,551, T>C on the plus strand (A>G on the coding strand, the complement: DICER1 is on the minus strand). VCF-style: chr14-95116551-T-C. GRCh37 (hg19) VCF-style: chr14-95582888-T-C.
Other names: c.1654A>G, p.Arg552Gly (NM_001195573.1, NM_001271282.3, NM_001291628.2 and 1 more transcripts); short protein forms R552G.
Identifiers: ClinVar variation 1009405 (VCV001009405.12), dbSNP rs1892490570, ClinGen allele CA390884868.